The following is an entry in ClinVar:

ClinVar aggregate classification (germline): Likely benign. Review status: criteria provided, single submitter (1 of 4 stars). 2 submissions from 2 submitters: Likely benign (1). 1 of the submissions does not count toward it. Last evaluated 2017-12-05.

Conditions:
Pontocerebellar hypoplasia type 9. Identifiers: Orphanet 369920, MedGen C4014354, MONDO:0014351, OMIM 615809.
Hereditary spastic paraplegia 63. Also called: Spastic paraplegia 63, autosomal recessive. Identifiers: Orphanet 401805, MedGen C3810295, MONDO:0014305, OMIM 615686.
AMPD2-related disorder. Also called: AMPD2-related condition.

Allele frequency attached by ClinVar (database versions not stated): gnomAD exomes 0.00001 and 0.00002.
gnomAD v4.1: 8 of 1,613,878 alleles (0.0005%); highest among the groups gnomAD compares: Non-Finnish European, 0.00059%; no homozygotes.

Submissions (2):

Labcorp Genetics (formerly Invitae), Labcorp
Classification: Likely benign for Pontocerebellar hypoplasia type 9; Hereditary spastic paraplegia 63. Last evaluated: 2017-12-05. Review status: criteria provided, single submitter. Criteria: Invitae Variant Classification Sherloc (09022015). Collection method: clinical testing. Allele origin: germline.

PreventionGenetics, part of Exact Sciences
Classification: Likely benign for AMPD2-related condition. Last evaluated: 2021-06-02. Review status: no assertion criteria provided. Collection method: clinical testing. Allele origin: germline. Not counted in ClinVar's aggregate classification.
Comment: This variant is classified as likely benign based on ACMG/AMP sequence variant interpretation guidelines (Richards et al. 2015 PMID: 25741868, with internal and published modifications).

NM_001368809.2(AMPD2):c.353+10G>A

Gene: AMPD2 (adenosine monophosphate deaminase 2; plus strand). Cytogenetic location: 1p13.3.
Variant type: single nucleotide variant.
Coding change: c.353+10G>A on transcript NM_001368809.2 (MANE Select); 10 bases into the intron after coding-DNA position 353, G replaced by A.
Molecular consequence: intron variant.
Genome position (GRCh38, 1-based): chr1:109,625,802, G>A. VCF-style: chr1-109625802-G-A. GRCh37 (hg19) VCF-style: chr1-110168424-G-A.
Other names: c.515+10G>A (NM_001257360.1); c.272+10G>A (NM_139156.4); c.290+10G>A (NM_001308170.1); c.353+10G>A (NM_004037.9); c.161+10G>A (NM_001257361.2).
Identifiers: ClinVar variation 541841 (VCV000541841.10), dbSNP rs1269768577, ClinGen allele CA525626517.